The following is an entry in ClinVar:

NC_000017.10:g.(?_59924452)_(59938900_?)dup

Gene: BRIP1 (BRCA1 interacting DNA helicase 1; minus strand). Cytogenetic location: 17q23.2.
Variant type: Duplication.
Identifiers: ClinVar variation 1023959 (VCV001023959.3).

ClinVar aggregate classification (germline): Uncertain significance (1 of 4 stars; one submission).

Conditions:
Fanconi anemia complementation group J. Also called: BRIP1-Related Fanconi Anemia. Identifiers: Orphanet 84, MedGen C1836860, MONDO:0012187, OMIM 609054.
Familial cancer of breast. Also called: BREAST CANCER, FAMILIAL; hereditary breast carcinoma; Hereditary breast cancer. Identifiers: Orphanet 227535, MedGen C0346153, MONDO:0016419, OMIM 114480. Disease mechanism: loss of function.

Submission:

Labcorp Genetics (formerly Invitae), Labcorp
Classification: Uncertain significance for Familial cancer of breast; Fanconi anemia complementation group J. Last evaluated: 2022-06-22. Review status: criteria provided, single submitter. Criteria: Invitae Variant Classification Sherloc (09022015). Collection method: clinical testing. Allele origin: germline.
Comment: This variant results in a copy number gain of the genomic region encompassing exon(s) 2-6 of the BRIP1 gene. This region includes the initiator codon of the gene. This copy number gain extends beyond the assayed region for this gene and therefore may encompass additional genes. As the precise location of this event is unknown, it may be in tandem or it may be located elsewhere in the genome. This variant has not been reported in the literature in individuals affected with BRIP1-related conditions. Experimental studies and prediction algorithms are not available or were not evaluated, and the functional significance of this variant is currently unknown. In summary, the available evidence is currently insufficient to determine the role of this variant in disease. Therefore, it has been classified as a Variant of Uncertain Significance.